The following is an entry in ClinVar:

ClinVar aggregate classification (germline): Conflicting classifications of pathogenicity. Review status: criteria provided, conflicting classifications (1 of 4 stars). 2 submissions from 2 submitters: Uncertain significance (1); Likely benign (1). Last evaluated 2025-09-28.

gnomAD v4.1: 71 of 1,613,976 alleles (0.0044%); highest among the groups gnomAD compares: Non-Finnish European, 0.0053%; no homozygotes.

Submissions (2):

Ambry Genetics
Classification: Likely benign. Last evaluated: 2025-09-28. Review status: criteria provided, single submitter. Criteria: Ambry Variant Classification Scheme 2023. Collection method: clinical testing. Allele origin: germline.

Women's Health and Genetics/Laboratory Corporation of America, LabCorp
Classification: Uncertain significance. Last evaluated: 2023-10-23. Review status: criteria provided, single submitter. Criteria: LabCorp Variant Classification Summary - May 2015. Collection method: clinical testing. Allele origin: germline.
Comment: Variant summary: H1-4 c.341G>A (p.Gly114Glu) results in a non-conservative amino acid change in the encoded protein sequence. Three of five in-silico tools predict a benign effect of the variant on protein function. The variant allele was found at a frequency of 1.8e-05 in 281850 control chromosomes (gnomAD). The available data on variant occurrences in the general population are insufficient to allow any conclusion about variant significance. To our knowledge, no occurrence of c.341G>A in individuals affected with Rahman Syndrome and no experimental evidence demonstrating its impact on protein function have been reported. No submitters have cited clinical-significance assessments for this variant to ClinVar after 2014. Based on the evidence outlined above, the variant was classified as uncertain significance.

NM_005321.3(H1-4):c.341G>A (p.Gly114Glu)

Gene: H1-4 (H1.4 linker histone, cluster member; plus strand). Cytogenetic location: 6p22.2.
Variant type: single nucleotide variant.
Coding change: c.341G>A on transcript NM_005321.3 (MANE Select); coding-DNA position 341, G replaced by A.
Protein change: p.Gly114Glu; replaces glycine 114 with glutamic acid.
Molecular consequence: missense variant.
Genome position (GRCh38, 1-based): chr6:26,156,731, G>A. VCF-style: chr6-26156731-G-A. GRCh37 (hg19) VCF-style: chr6-26156959-G-A.
Other names: c.341G>A (NM_005321.2); short protein forms G114E.
Identifiers: ClinVar variation 2637866 (VCV002637866.2), dbSNP rs1273963446, ClinGen allele CA363201975.
Genomic context (GRCh38, chr6:26,156,731, plus strand): 5'-TGCAGACCAAGGGCACCGGCGCGTCGGGTTCCTTCAAACTCAACAAGAAGGCGGCCTCTG[G>A]GGAAGCCAAGCCTAAGGCTAAAAAGGCAGGCGCGGCCAAGGCCAAGAAGCCAGCAGGAGC-3'
Protein context (NP_005312.1, residues 104-124): SFKLNKKAAS[Gly114Glu]EAKPKAKKAG